The following is an entry in ClinVar:

NM_007289.4(MME):c.1033G>A (p.Val345Ile)

Gene: MME (membrane metalloendopeptidase; plus strand). Cytogenetic location: 3q25.2.
Variant type: single nucleotide variant.
Coding change: c.1033G>A on transcript NM_007289.4 (MANE Select); coding-DNA position 1033, G replaced by A.
Protein change: p.Val345Ile; replaces valine 345 with isoleucine.
Molecular consequence: missense variant.
Genome position (GRCh38, 1-based): chr3:155,142,066, G>A. VCF-style: chr3-155142066-G-A. GRCh37 (hg19) VCF-style: chr3-154859855-G-A.
Other names: p.Val345Ile; c.1033G>A, p.Val345Ile (NM_000902.5, NM_001354642.2, NM_001354643.1 and 2 more transcripts); c.1033G>A (NM_007289.3); short protein forms V345I.
Identifiers: ClinVar variation 493377 (VCV000493377.58), dbSNP rs61758194, ClinGen allele CA2675361.

ClinVar aggregate classification (germline): Benign/Likely benign. Review status: criteria provided, multiple submitters, no conflicts (2 of 4 stars). 10 submissions from 10 submitters: Benign (1); Likely benign (7). 2 of the submissions do not count toward it. Last evaluated 2026-03-01.

Conditions:
MME-related disorder. Also called: MME-related condition.

Allele frequency attached by ClinVar (database versions not stated): 1000 Genomes Project 0.00020; 1000 Genomes Project 30x 0.00031; TOPMed 0.00169; ExAC 0.00212; gnomAD exomes 0.00229 and 0.00192; ESP Exome Variant Server 0.00185; gnomAD 0.00198.
gnomAD v4.1: 3,593 of 1,613,744 alleles (0.22%); highest among the groups gnomAD compares: Non-Finnish European, 0.27%; 8 homozygotes.

Submissions (10):

CeGaT Center for Human Genetics Tuebingen
Classification: Likely benign. Last evaluated: 2026-03-01. Review status: criteria provided, single submitter. Criteria: CeGaT Center For Human Genetics Tuebingen Variant Classification Criteria Version 2. Collection method: clinical testing. Allele origin: germline. Affected: yes. Observed: 9 variant alleles.
Comment: MME: BP4, BS2

Labcorp Genetics (formerly Invitae), Labcorp
Classification: Benign. Last evaluated: 2026-01-19. Review status: criteria provided, single submitter. Criteria: Invitae Variant Classification Sherloc (09022015). Collection method: clinical testing. Allele origin: germline.

Women's Health and Genetics/Laboratory Corporation of America, LabCorp
Classification: Likely benign. Last evaluated: 2025-12-29. Review status: criteria provided, single submitter. Criteria: LabCorp Variant Classification Summary - May 2015. Collection method: clinical testing. Allele origin: germline.
Comment: Variant summary: MME c.1033G>A (p.Val345Ile) results in a conservative amino acid change in the encoded protein sequence. Algorithms developed to predict the effect of missense changes on protein structure and function are either unavailable or do not agree on the potential impact of this missense change. The variant allele was found at a frequency of 0.0019 in 251228 control chromosomes, predominantly at a frequency of 0.0032 within the Non-Finnish European subpopulation in the gnomAD database, including 1 homozygotes. The observed variant frequency within Non-Finnish European control individuals in the gnomAD database exceeds the estimated maximal expected allele frequency for disease-causing variants in MME. To our knowledge, no occurrence of c.1033G>A in individuals affected with MME-related conditions and no experimental evidence demonstrating its impact on protein function have been reported. ClinVar contains an entry for this variant (Variation ID: 493377). Based on the evidence outlined above, the variant was classified as likely benign.

PreventionGenetics, part of Exact Sciences
Classification: Likely benign for MME-related condition. Last evaluated: 2025-08-31. Review status: criteria provided, single submitter. Criteria: ACMG Guidelines, 2015. Collection method: clinical testing. Allele origin: germline.
Comment: This variant is classified as likely benign based on ACMG/AMP sequence variant interpretation guidelines (Richards et al. 2015 PMID: 25741868, with internal and published modifications).

Mayo Clinic Laboratories, Mayo Clinic
Classification: Likely benign. Last evaluated: 2025-08-20. Review status: criteria provided, single submitter. Criteria: ACMG Guidelines, 2015. Collection method: clinical testing. Allele origin: germline. Observed: 5 variant alleles.
Comment: BS1, BP4_moderate

Blueprint Genetics
Classification: Likely benign. Last evaluated: 2024-11-21. Review status: criteria provided, single submitter. Criteria: ACMG Guidelines, 2015. Collection method: clinical testing. Allele origin: germline.

GeneDx
Classification: Likely benign. Last evaluated: 2020-02-26. Review status: criteria provided, single submitter. Criteria: GeneDx Variant Classification Process June 2021. Collection method: clinical testing. Allele origin: germline. Affected: yes.
Comment: This variant is associated with the following publications: (PMID: 20692264, 27957625)

Breakthrough Genomics
Classification: Likely benign. Review status: criteria provided, single submitter. Criteria: ACMG Guidelines, 2015. Collection method: not provided. Allele origin: germline. Inheritance: Autosomal recessive inheritance. Affected: yes.

Clinical Genetics DNA and cytogenetics Diagnostics Lab, Erasmus MC, Erasmus Medical Center
Classification: Likely benign. Review status: no assertion criteria provided. Collection method: clinical testing. Allele origin: germline. Affected: yes. Study: VKGL Data-share Consensus. Not counted in ClinVar's aggregate classification.

Clinical Genetics, Academic Medical Center
Classification: Likely benign. Review status: no assertion criteria provided. Collection method: clinical testing. Allele origin: germline. Affected: yes. Study: VKGL Data-share Consensus. Not counted in ClinVar's aggregate classification.

Literature cited by the submitters: PubMed 20692264 (cited by Mayo Clinic Laboratories, Mayo Clinic); PubMed 33144514 (cited by Mayo Clinic Laboratories, Mayo Clinic).